The following is an entry in ClinVar:

NM_005506.4(SCARB2):c.1307C>T (p.Thr436Ile)

Gene: SCARB2 (scavenger receptor class B member 2; minus strand). Cytogenetic location: 4q21.1.
Variant type: single nucleotide variant.
Coding change: c.1307C>T on transcript NM_005506.4 (MANE Select); coding-DNA position 1307, C replaced by T.
Protein change: p.Thr436Ile; replaces threonine 436 with isoleucine.
Molecular consequence: missense variant.
Genome position (GRCh38, 1-based): chr4:76,163,316, G>A on the plus strand (C>T on the coding strand, the complement: SCARB2 is on the minus strand). VCF-style: chr4-76163316-G-A. GRCh37 (hg19) VCF-style: chr4-77084469-G-A.
Other names: c.878C>T, p.Thr293Ile (NM_001204255.2); short protein forms T293I, T436I.
Identifiers: ClinVar variation 1043421 (VCV001043421.8), dbSNP rs1731937544, ClinGen allele CA357313455.

ClinVar aggregate classification (germline): Uncertain significance (1 of 4 stars; one submission).

Conditions:
Progressive myoclonic epilepsy. Also called: Myoclonus epilepsy; Progressive myoclonus epilepsy; Familial progressive myoclonic epilepsy; Myoclonic Epilepsies, Progressive. Identifiers: Orphanet 308, Orphanet 98261, MedGen C0751778, MONDO:0020074.

Submission:

Labcorp Genetics (formerly Invitae), Labcorp
Classification: Uncertain significance for Progressive myoclonic epilepsy. Last evaluated: 2023-08-04. Review status: criteria provided, single submitter. Criteria: Invitae Variant Classification Sherloc (09022015). Collection method: clinical testing. Allele origin: germline.
Comment: This sequence change replaces threonine, which is neutral and polar, with isoleucine, which is neutral and non-polar, at codon 436 of the SCARB2 protein (p.Thr436Ile). This variant is not present in population databases (gnomAD no frequency). This variant has not been reported in the literature in individuals affected with SCARB2-related conditions. ClinVar contains an entry for this variant (Variation ID: 1043421). Advanced modeling of protein sequence and biophysical properties (such as structural, functional, and spatial information, amino acid conservation, physicochemical variation, residue mobility, and thermodynamic stability) performed at Invitae indicates that this missense variant is not expected to disrupt SCARB2 protein function. In summary, the available evidence is currently insufficient to determine the role of this variant in disease. Therefore, it has been classified as a Variant of Uncertain Significance.